The following is an entry in ClinVar:

ClinVar aggregate classification (germline): Uncertain significance (1 of 4 stars; one submission).

Submission:

Labcorp Genetics (formerly Invitae), Labcorp
Classification: Uncertain significance. Last evaluated: 2022-10-17. Review status: criteria provided, single submitter. Criteria: Invitae Variant Classification Sherloc (09022015). Collection method: clinical testing. Allele origin: germline.
Comment: This sequence change replaces glutamine, which is neutral and polar, with arginine, which is basic and polar, at codon 1104 of the MYO5B protein (p.Gln1104Arg). This variant is not present in population databases (gnomAD no frequency). This variant has not been reported in the literature in individuals affected with MYO5B-related conditions. ClinVar contains an entry for this variant (Variation ID: 1414084). Advanced modeling of protein sequence and biophysical properties (such as structural, functional, and spatial information, amino acid conservation, physicochemical variation, residue mobility, and thermodynamic stability) performed at Invitae indicates that this missense variant is not expected to disrupt MYO5B protein function. In summary, the available evidence is currently insufficient to determine the role of this variant in disease. Therefore, it has been classified as a Variant of Uncertain Significance.

NM_001080467.3(MYO5B):c.3311A>G (p.Gln1104Arg)

Gene: MYO5B (myosin VB; minus strand). Cytogenetic location: 18q21.1.
Variant type: single nucleotide variant.
Coding change: c.3311A>G on transcript NM_001080467.3 (MANE Select); coding-DNA position 3311, A replaced by G.
Protein change: p.Gln1104Arg; replaces glutamine 1104 with arginine.
Molecular consequence: missense variant.
Genome position (GRCh38, 1-based): chr18:49,877,848, T>C on the plus strand (A>G on the coding strand, the complement: MYO5B is on the minus strand). VCF-style: chr18-49877848-T-C. GRCh37 (hg19) VCF-style: chr18-47404218-T-C.
Other names: short protein forms Q1104R.
Identifiers: ClinVar variation 1414084 (VCV001414084.6), dbSNP rs2144103117, ClinGen allele CA402428579.